The following is an entry in ClinVar:

ClinVar aggregate classification (germline): Uncertain significance (1 of 4 stars; one submission).

Conditions:
RYR1-related disorder. Also called: RYR1-related disorders; RYR1-related condition. Identifiers: MedGen CN239331.

Submission:

Labcorp Genetics (formerly Invitae), Labcorp
Classification: Uncertain significance for RYR1-related disorder. Last evaluated: 2023-01-16. Review status: criteria provided, single submitter. Criteria: Invitae Variant Classification Sherloc (09022015). Collection method: clinical testing. Allele origin: germline.
Comment: In summary, the available evidence is currently insufficient to determine the role of this variant in disease. Therefore, it has been classified as a Variant of Uncertain Significance. Advanced modeling of protein sequence and biophysical properties (such as structural, functional, and spatial information, amino acid conservation, physicochemical variation, residue mobility, and thermodynamic stability) performed at Invitae indicates that this missense variant is not expected to disrupt RYR1 protein function. ClinVar contains an entry for this variant (Variation ID: 640174). This variant has not been reported in the literature in individuals affected with RYR1-related conditions. This variant is not present in population databases (gnomAD no frequency). This sequence change replaces serine, which is neutral and polar, with asparagine, which is neutral and polar, at codon 421 of the RYR1 protein (p.Ser421Asn).

NM_000540.3(RYR1):c.1262G>A (p.Ser421Asn)

Gene: RYR1 (ryanodine receptor 1; plus strand). Cytogenetic location: 19q13.2.
Variant type: single nucleotide variant.
Coding change: c.1262G>A on transcript NM_000540.3 (MANE Select); coding-DNA position 1262, G replaced by A.
Protein change: p.Ser421Asn; replaces serine 421 with asparagine.
Molecular consequence: missense variant.
Genome position (GRCh38, 1-based): chr19:38,452,836, G>A. VCF-style: chr19-38452836-G-A. GRCh37 (hg19) VCF-style: chr19-38943476-G-A.
Other names: c.1262G>A, p.Ser421Asn (NM_001042723.2); short protein forms S421N.
Identifiers: ClinVar variation 640174 (VCV000640174.8), dbSNP rs1600667607, ClinGen allele CA405685204.